The following is an entry in ClinVar:

ClinVar aggregate classification (germline): Uncertain significance (1 of 4 stars; one submission).

gnomAD v4.1: 1 of 1,613,934 alleles (0.000062%); highest among the groups gnomAD compares: Non-Finnish European, 0.000085%; no homozygotes.

Submission:

GeneDx
Classification: Uncertain significance. Last evaluated: 2026-02-17. Review status: criteria provided, single submitter. Criteria: GeneDx Variant Classification Process June 2021. Collection method: clinical testing. Allele origin: germline.
Comment: Not observed at significant frequency in large population cohorts (gnomAD); In silico analysis suggests that this missense variant does not alter protein structure/function; Has not been previously published as pathogenic or benign to our knowledge

NM_001829.4(CLCN3):c.2420C>G (p.Thr807Arg)

Gene: CLCN3 (Cl-/H+ antiporter 3; plus strand). Cytogenetic location: 4q33.
Variant type: single nucleotide variant.
Coding change: c.2420C>G on transcript NM_001829.4 (MANE Select); coding-DNA position 2420, C replaced by G.
Protein change: p.Thr807Arg; replaces threonine 807 with arginine.
Molecular consequence: missense variant.
Genome position (GRCh38, 1-based): chr4:169,719,960, C>G. VCF-style: chr4-169719960-C-G. GRCh37 (hg19) VCF-style: chr4-170641111-C-G.
Other names: c.2339C>G, p.Thr780Arg (NM_001243372.2, NM_001243374.2); c.2496C>G, p.Asp832Glu (NM_173872.4); short protein forms T807R, D832E, T780R.
Identifiers: ClinVar variation 5009649 (VCV005009649.1).